The following is an entry in ClinVar:

NM_000051.4(ATM):c.2498_2500del (p.Gly833del)

Gene: ATM (ATM serine/threonine kinase; plus strand). Cytogenetic location: 11q22.3.
Variant type: Deletion.
Coding change: c.2498_2500del on transcript NM_000051.4 (MANE Select); coding-DNA positions 2498 to 2500, 3 bases deleted (GAG; older notation c.2498_2500delGAG).
Protein change: p.Gly833del; deletes glycine 833.
Genome position (GRCh38, 1-based): chr11:108,267,202-108,267,204, GAG deleted; deleting any 3 consecutive bases within chr11:108,267,201-108,267,204 gives the same sequence; the c. name uses the placement nearest the transcript's 3' end. VCF-style (leftmost placement, unchanged base first): chr11-108267200-TGGA-T. GRCh37 (hg19) VCF-style: chr11-108137927-TGGA-T.
Other names: c.2498_2500del, p.Gly833del (NM_001351834.2); short protein forms G833del.
Identifiers: ClinVar variation 3449825 (VCV003449825.1).

ClinVar aggregate classification (germline): Uncertain significance (1 of 4 stars; one submission).

Conditions:
Hereditary cancer-predisposing syndrome. Also called: Tumor predisposition; Neoplastic Syndromes, Hereditary; Hereditary neoplastic syndrome; Hereditary Cancer Syndrome. Identifiers: Orphanet 140162, MedGen C0027672, MeSH D009386, MONDO:0015356.

Submission:

Ambry Genetics
Classification: Uncertain significance for Hereditary cancer-predisposing syndrome. Last evaluated: 2024-07-05. Review status: criteria provided, single submitter. Criteria: Ambry Variant Classification Scheme 2023. Collection method: clinical testing. Allele origin: germline.
Comment: The c.2498_2500delGAG variant (also known as p.G833del) is located in coding exon 16 of the ATM gene. This variant results from an in-frame GAG deletion at nucleotide positions 2498 to 2500. This results in the in-frame deletion of a glycine at codon 833. This amino acid position is well conserved in available vertebrate species. In addition, this alteration is predicted to be neutral by in silico analysis (Choi Y et al. PLoS ONE. 2012; 7(10):e46688). Based on the available evidence, the clinical significance of this variant remains unclear.